The following is an entry in ClinVar:

NM_001379500.1(COL18A1):c.1187_1200dup (p.Pro401fs)

Gene: COL18A1 (collagen type XVIII alpha 1 chain; plus strand). Cytogenetic location: 21q22.3.
Variant type: Duplication.
Coding change: c.1187_1200dup on transcript NM_001379500.1 (MANE Select); coding-DNA positions 1187 to 1200, 14 bases duplicated (GGAGGGACGGCACC).
Protein change: p.Pro401fs; shifts the reading frame from proline 401.
Molecular consequence: frameshift variant.
Genome position (GRCh38, 1-based): chr21:45,477,931-45,477,944, GGAGGGACGGCACC duplicated. VCF-style (leftmost placement, unchanged base first): chr21-45477930-G-GGGAGGGACGGCACC. GRCh37 (hg19) VCF-style: chr21-46897844-G-GGGAGGGACGGCACC.
Other names: c.1727_1740dup, p.Pro581fs (NM_030582.4); c.2432_2445dup, p.Pro816fs (NM_130444.3); short protein forms P581fs, P401fs, P816fs.
Identifiers: ClinVar variation 1366287 (VCV001366287.38), dbSNP rs768663340, ClinGen allele CA10066094.

ClinVar aggregate classification (germline): Pathogenic. Review status: criteria provided, multiple submitters, no conflicts (2 of 4 stars). 4 submissions from 4 submitters: Pathogenic (4). Last evaluated 2025-08-21.

Conditions:
Knobloch syndrome (KNO). Also called: RETINAL DETACHMENT AND OCCIPITAL ENCEPHALOCELE; Myopia retinal detachment encephalocele. Identifiers: Orphanet 1571, MedGen C1849409, MONDO:0800166.
Knobloch syndrome 1 (KNO1). Identifiers: MedGen C4551775, MONDO:0800167, OMIM 267750.

Allele frequency attached by ClinVar (database versions not stated): gnomAD exomes below 0.00001 and 0.00001; gnomAD 0.00001 and 0.00002; TOPMed 0.00001; ExAC 0.00005.

Submissions (4):

Labcorp Genetics (formerly Invitae), Labcorp
Classification: Pathogenic. Last evaluated: 2025-08-21. Review status: criteria provided, single submitter. Criteria: Invitae Variant Classification Sherloc (09022015). Collection method: clinical testing. Allele origin: germline.
Comment: This sequence change creates a premature translational stop signal (p.Pro401Glyfs*36) in the COL18A1 gene. It is expected to result in an absent or disrupted protein product. Loss-of-function variants in COL18A1 are known to be pathogenic (PMID: 12415512, 25456301). This variant is present in population databases (rs768663340, gnomAD 0.003%). This premature translational stop signal has been observed in individual(s) with Knobloch syndrome (PMID: 31415705). ClinVar contains an entry for this variant (Variation ID: 1366287). For these reasons, this variant has been classified as Pathogenic.

Laboratorio de Genetica e Diagnostico Molecular, Hospital Israelita Albert Einstein
Classification: Pathogenic for Knobloch syndrome 1. Last evaluated: 2022-08-04. Review status: criteria provided, single submitter. Criteria: ACMG Guidelines, 2015. Collection method: clinical testing. Allele origin: germline. Affected: yes. Observed: 1 variant allele.
Comment: ACMG classification criteria: PVS1 very strong, PS4 supporting, PM2 moderated

CeGaT Center for Human Genetics Tuebingen
Classification: Pathogenic. Last evaluated: 2022-06-01. Review status: criteria provided, single submitter. Criteria: CeGaT Center For Human Genetics Tuebingen Variant Classification Criteria Version 2. Collection method: clinical testing. Allele origin: germline. Affected: yes. Observed: 1 variant allele.
Comment: COL18A1: PVS1, PM2

Mendelics
Classification: Pathogenic for Knobloch syndrome 1. Last evaluated: 2022-05-04. Review status: criteria provided, single submitter. Criteria: Mendelics Assertion Criteria 2019. Collection method: clinical testing. Allele origin: germline.

Literature cited by the submitters: PubMed 12415512 (cited by Labcorp Genetics (formerly Invitae), Labcorp); PubMed 25456301 (cited by Labcorp Genetics (formerly Invitae), Labcorp); PubMed 31415705 (cited by Labcorp Genetics (formerly Invitae), Labcorp).